The following is an entry in ClinVar:

ClinVar aggregate classification (germline): Conflicting classifications of pathogenicity. Review status: criteria provided, conflicting classifications (1 of 4 stars). 4 submissions from 4 submitters: Uncertain significance (3); Benign (1). Last evaluated 2025-10-31.

Conditions:
Hereditary cancer-predisposing syndrome. Also called: Tumor predisposition; Neoplastic Syndromes, Hereditary; Hereditary Cancer Syndrome; Hereditary neoplastic syndrome. Identifiers: Orphanet 140162, MedGen C0027672, MeSH D009386, MONDO:0015356.
Tuberous sclerosis 2 (TSC2). Identifiers: Orphanet 805, MedGen C1860707, MONDO:0013199, OMIM 613254.

Allele frequency attached by ClinVar (database versions not stated): gnomAD 0.00001; TOPMed 0.00001.
gnomAD v4.1: 13 of 1,611,448 alleles (0.00081%); highest among the groups gnomAD compares: Non-Finnish European, 0.00093%; no homozygotes.

Submissions (4):

Labcorp Genetics (formerly Invitae), Labcorp
Classification: Benign for Tuberous sclerosis 2. Last evaluated: 2025-10-31. Review status: criteria provided, single submitter. Criteria: Invitae Variant Classification Sherloc (09022015). Collection method: clinical testing. Allele origin: germline.

Ambry Genetics
Classification: Uncertain significance for Hereditary cancer-predisposing syndrome. Last evaluated: 2025-05-01. Review status: criteria provided, single submitter. Criteria: Ambry Variant Classification Scheme 2023. Collection method: clinical testing. Allele origin: germline.
Comment: The p.L1398V variant (also known as c.4192C>G), located in coding exon 33 of the TSC2 gene, results from a C to G substitution at nucleotide position 4192. The leucine at codon 1398 is replaced by valine, an amino acid with highly similar properties. This amino acid position is not well conserved in available vertebrate species. In addition, the in silico prediction for this alteration is inconclusive. Since supporting evidence is limited at this time, the clinical significance of this alteration remains unclear.

GeneDx
Classification: Uncertain significance. Last evaluated: 2022-07-29. Review status: criteria provided, single submitter. Criteria: GeneDx Variant Classification Process June 2021. Collection method: clinical testing. Allele origin: germline. Affected: yes.
Comment: Not observed at significant frequency in large population cohorts (gnomAD); In silico analysis supports that this missense variant does not alter protein structure/function; Has not been previously published as pathogenic or benign to our knowledge

Genome-Nilou Lab
Classification: Uncertain significance for Tuberous sclerosis 2. Last evaluated: 2021-11-07. Review status: criteria provided, single submitter. Criteria: ACMG Guidelines, 2015. Collection method: clinical testing. Allele origin: germline. Affected: no.

NM_000548.5(TSC2):c.4192C>G (p.Leu1398Val)

Gene: TSC2 (TSC complex subunit 2; plus strand). Cytogenetic location: 16p13.3.
Variant type: single nucleotide variant.
Coding change: c.4192C>G on transcript NM_000548.5 (MANE Select); coding-DNA position 4192, C replaced by G.
Protein change: p.Leu1398Val; replaces leucine 1398 with valine.
Molecular consequence: missense variant.
Genome position (GRCh38, 1-based): chr16:2,084,414, C>G. VCF-style: chr16-2084414-C-G. GRCh37 (hg19) VCF-style: chr16-2134415-C-G.
Other names: c.3991C>G, p.Leu1331Val (NM_001077183.3); c.4123C>G, p.Leu1375Val (NM_001114382.3); c.3883C>G, p.Leu1295Val (NM_001318827.2); c.3847C>G, p.Leu1283Val (NM_001318829.2); c.3460C>G, p.Leu1154Val (NM_001318831.2); c.4024C>G, p.Leu1342Val (NM_001318832.2); c.3994C>G, p.Leu1332Val (NM_001363528.2); c.4060C>G, p.Leu1354Val (NM_001370404.1); and 1 more; short protein forms L1398V, L1283V, L1342V, L1354V, L1295V, L1375V, L1154V, L1331V.
Identifiers: ClinVar variation 405993 (VCV000405993.19), dbSNP rs1060500928, ClinGen allele CA16614748.